The following is an entry in ClinVar:

NM_017514.5(PLXNA3):c.3468C>T (p.Ala1156=)

Gene: PLXNA3 (plexin A3; plus strand). Cytogenetic location: Xq28.
Variant type: single nucleotide variant.
Coding change: c.3468C>T on transcript NM_017514.5 (MANE Select); coding-DNA position 3468, C replaced by T.
Protein change: p.Ala1156=; no amino-acid change (alanine 1156 retained).
Molecular consequence: synonymous variant.
Genome position (GRCh38, 1-based): chrX:154,467,571, C>T. VCF-style: chrX-154467571-C-T. GRCh37 (hg19) VCF-style: chrX-153695914-C-T.
Identifiers: ClinVar variation 3051342 (VCV003051342.2), dbSNP rs781821504, ClinGen allele CA10564642.
Genomic context (GRCh38, chrX:154,467,571, plus strand): 5'-AGAGTCCTGGGCTGAAGTTGTCCTCCACCCCCAGGGCAAGAACCTGATTCCCGCTGCAGC[C>T]GGCAGCTCCCGCCTCAACTACACTGTGCTGATAGGAGGCCAGCCGTGTTCGCTCACTGTC-3'
Protein context (NP_059984.3, residues 1146-1166): LKGKNLIPAA[Ala1156=]GSSRLNYTVL

ClinVar aggregate classification (germline): Likely benign (0 of 4 stars; one submission).

Conditions:
PLXNA3-related disorder. Also called: PLXNA3-related condition.

Allele frequency attached by ClinVar (database versions not stated): TOPMed 0.00002; gnomAD 0.00004; gnomAD exomes 0.00004; ExAC 0.00014.
gnomAD v4.1: 47 of 1,191,389 alleles (0.0039%); highest among the groups gnomAD compares: South Asian, 0.033%; no homozygotes.

Submission:

PreventionGenetics, part of Exact Sciences
Classification: Likely benign for PLXNA3-related condition. Last evaluated: 2022-03-14. Review status: no assertion criteria provided. Collection method: clinical testing. Allele origin: germline.
Comment: This variant is classified as likely benign based on ACMG/AMP sequence variant interpretation guidelines (Richards et al. 2015 PMID: 25741868, with internal and published modifications).